The following is an entry in ClinVar:

ClinVar aggregate classification (germline): Uncertain significance (1 of 4 stars; one submission).

Conditions:
Pigmentary pallidal degeneration (NBIA1). Also called: PKAN NEUROAXONAL DYSTROPHY, JUVENILE-ONSET; Neurodegeneration with brain iron accumulation 1; HARP SYNDROME; Pantothenate Kinase-Associated Neurodegeneration; Neuroaxonal dystrophy, late infantile; Hallervorden-Spatz disease. Identifiers: Orphanet 157850, MedGen C0018523, MONDO:0009319, OMIM 234200.

gnomAD v4.1: 21 of 1,572,710 alleles (0.0013%); highest among the groups gnomAD compares: African/African-American, 0.013%; no homozygotes.

Submission:

Labcorp Genetics (formerly Invitae), Labcorp
Classification: Uncertain significance for Pigmentary pallidal degeneration. Last evaluated: 2022-06-14. Review status: criteria provided, single submitter. Criteria: Invitae Variant Classification Sherloc (09022015). Collection method: clinical testing. Allele origin: germline.
Comment: This sequence change replaces glutamic acid, which is acidic and polar, with aspartic acid, which is acidic and polar, at codon 103 of the PANK2 protein (p.Glu103Asp). This variant is not present in population databases (gnomAD no frequency). This variant has not been reported in the literature in individuals affected with PANK2-related conditions. Algorithms developed to predict the effect of missense changes on protein structure and function are either unavailable or do not agree on the potential impact of this missense change (SIFT: "Tolerated"; PolyPhen-2: "Possibly Damaging"; Align-GVGD: "Class C0"). In summary, the available evidence is currently insufficient to determine the role of this variant in disease. Therefore, it has been classified as a Variant of Uncertain Significance.

NM_001386393.1(PANK2):c.-22G>C

Genes: PANK2 (pantothenate kinase 2; plus strand), LOC130065345 (ATAC-STARR-seq lymphoblastoid silent region 12635; plus strand). Cytogenetic location: 20p13.
Variant type: single nucleotide variant.
Coding change: c.-22G>C on transcript NM_001386393.1 (MANE Select); 22 bases upstream of the start codon, G replaced by C.
Molecular consequence: 5 prime UTR variant. On other transcripts: missense variant (2), non-coding transcript variant (1), intron variant (1).
Genome position (GRCh38, 1-based): chr20:3,889,409, G>C. VCF-style: chr20-3889409-G-C. GRCh37 (hg19) VCF-style: chr20-3870056-G-C.
Other names: c.-733G>C (NM_001324191.2); c.309G>C, p.Glu103Asp (NM_001324192.1, NM_153638.4); c.-246+505G>C (NM_024960.6); short protein forms E103D.
Identifiers: ClinVar variation 2141371 (VCV002141371.1), dbSNP rs536157309, ClinGen allele CA311088730.